The following is an entry in ClinVar:

ClinVar aggregate classification (germline): Uncertain significance (1 of 4 stars; one submission).

Allele frequency attached by ClinVar (database versions not stated): gnomAD 0.00001; TOPMed 0.00002; gnomAD exomes 0.00004; ExAC 0.00030.
gnomAD v4.1: 59 of 1,550,774 alleles (0.0038%); highest among the groups gnomAD compares: South Asian, 0.025%; no homozygotes.

Submission:

Labcorp Genetics (formerly Invitae), Labcorp
Classification: Uncertain significance. Last evaluated: 2022-03-04. Review status: criteria provided, single submitter. Criteria: Invitae Variant Classification Sherloc (09022015). Collection method: clinical testing. Allele origin: germline.
Comment: This sequence change replaces arginine, which is basic and polar, with tryptophan, which is neutral and slightly polar, at codon 2896 of the OTOG protein (p.Arg2896Trp). This variant is present in population databases (rs764556781, gnomAD 0.04%). This variant has not been reported in the literature in individuals affected with OTOG-related conditions. Algorithms developed to predict the effect of missense changes on protein structure and function are either unavailable or do not agree on the potential impact of this missense change (SIFT: "Deleterious"; PolyPhen-2: "Probably Damaging"; Align-GVGD: "Class C0"). In summary, the available evidence is currently insufficient to determine the role of this variant in disease. Therefore, it has been classified as a Variant of Uncertain Significance.

NM_001292063.2(OTOG):c.8650C>T (p.Arg2884Trp)

Gene: OTOG (otogelin; plus strand). Cytogenetic location: 11p15.1.
Variant type: single nucleotide variant.
Coding change: c.8650C>T on transcript NM_001292063.2 (MANE Select); coding-DNA position 8650, C replaced by T.
Protein change: p.Arg2884Trp; replaces arginine 2884 with tryptophan.
Molecular consequence: missense variant.
Genome position (GRCh38, 1-based): chr11:17,645,852, C>T. VCF-style: chr11-17645852-C-T. GRCh37 (hg19) VCF-style: chr11-17667399-C-T.
Other names: c.8686C>T, p.Arg2896Trp (NM_001277269.2); short protein forms R2884W, R2896W.
Identifiers: ClinVar variation 1926496 (VCV001926496.5), dbSNP rs764556781, ClinGen allele CA5906327.